The following is an entry in ClinVar:

ClinVar aggregate classification (germline): Uncertain significance. Review status: criteria provided, multiple submitters, no conflicts (2 of 4 stars). 2 submissions from 2 submitters: Uncertain significance (2). Last evaluated 2025-10-07.

Conditions:
Inborn genetic diseases. Identifiers: MedGen C0950123, MeSH D030342.

Allele frequency attached by ClinVar (database versions not stated): gnomAD exomes 0.00001.

Submissions (2):

Women's Health and Genetics/Laboratory Corporation of America, LabCorp
Classification: Uncertain significance. Last evaluated: 2025-10-07. Review status: criteria provided, single submitter. Criteria: LabCorp Variant Classification Summary - May 2015. Collection method: clinical testing. Allele origin: germline.
Comment: Variant summary: CIC c.4709A>G (p.Gln1570Arg) results in a conservative amino acid change in the encoded protein sequence. Algorithms developed to predict the effect of missense changes on protein structure and function all suggest that this variant is likely to be tolerated. The variant allele was found at a frequency of 8.5e-06 in 117170 control chromosomes. The available data on variant occurrences in the general population are insufficient to allow any conclusion about variant significance. To our knowledge, no occurrence of c.4709A>G in individuals affected with CIC-related conditions and no experimental evidence demonstrating its impact on protein function have been reported. ClinVar contains an entry for this variant (Variation ID: 2555900). Based on the evidence outlined above, the variant was classified as uncertain significance.

Ambry Genetics
Classification: Uncertain significance for Inborn genetic diseases. Last evaluated: 2023-06-02. Review status: criteria provided, single submitter. Criteria: Ambry Variant Classification Scheme 2023. Collection method: clinical testing. Allele origin: germline.

NM_001386298.1(CIC):c.7436A>G (p.Gln2479Arg)

Gene: CIC (capicua transcriptional repressor; plus strand). Cytogenetic location: 19q13.2.
Variant type: single nucleotide variant.
Coding change: c.7436A>G on transcript NM_001386298.1 (MANE Select); coding-DNA position 7436, A replaced by G.
Protein change: p.Gln2479Arg; replaces glutamine 2479 with arginine.
Molecular consequence: missense variant.
Genome position (GRCh38, 1-based): chr19:42,295,073, A>G. VCF-style: chr19-42295073-A-G. GRCh37 (hg19) VCF-style: chr19-42799225-A-G.
Other names: c.7436A>G, p.Gln2479Arg (NM_001304815.2); c.7433A>G, p.Gln2478Arg (NM_001379480.1, NM_001379482.1, NM_001379483.1); c.4703A>G, p.Gln1568Arg (NM_001379484.1); c.4700A>G, p.Gln1567Arg (NM_001379485.1); c.4709A>G, p.Gln1570Arg (NM_015125.5); short protein forms Q1568R, Q2478R, Q1567R, Q2479R, Q1570R.
Identifiers: ClinVar variation 2555900 (VCV002555900.3), dbSNP rs752340916, ClinGen allele CA9473011.